The following is an entry in ClinVar:

NM_005068.3(SIM1):c.1673C>A (p.Pro558Gln)

Gene: SIM1 (SIM bHLH transcription factor 1; minus strand). Cytogenetic location: 6q16.3.
Variant type: single nucleotide variant.
Coding change: c.1673C>A on transcript NM_005068.3 (MANE Select); coding-DNA position 1673, C replaced by A.
Protein change: p.Pro558Gln; replaces proline 558 with glutamine.
Molecular consequence: missense variant.
Genome position (GRCh38, 1-based): chr6:100,390,989, G>T on the plus strand (C>A on the coding strand, the complement: SIM1 is on the minus strand). VCF-style: chr6-100390989-G-T. GRCh37 (hg19) VCF-style: chr6-100838865-G-T.
Other names: c.1673C>A, p.Pro558Gln (NM_001374769.1); short protein forms P558Q.
Identifiers: ClinVar variation 4992050 (VCV004992050.1).
Genomic context (GRCh38, chr6:100,390,989, plus strand): 5'-TCTTCTTTAATCATTTGCTGAGTGGCTCTTATAAGAGTTTCAATTTTGCTGGGTTCATGT[G>T]GGCTACTTTGATACTGCTCAGTACGATATCGGTCACCTGATTCACTGGCCGACCCAGGGT-3'
Protein context (NP_005059.2, residues 548-568): RYRTEQYQSS[Pro558Gln]HEPSKIETLI

ClinVar aggregate classification (germline): Uncertain significance (1 of 4 stars; one submission).

Conditions:
SIM1-related disorder. Also called: SIM1-related disorders; SIM1-related condition.

Submission:

PreventionGenetics, part of Exact Sciences
Classification: Uncertain significance for SIM1-related condition. Last evaluated: 2026-01-04. Review status: criteria provided, single submitter. Criteria: ACMG Guidelines, 2015. Collection method: clinical testing. Allele origin: germline.
Comment: The SIM1 c.1673C>A variant is predicted to result in the amino acid substitution p.Pro558Gln. To our knowledge, this variant has not been reported in the literature or in a large population database (gnomAD), indicating this variant is rare. At this time, the clinical significance of this variant is uncertain due to the absence of conclusive functional and genetic evidence.